The following is an entry in ClinVar:

ClinVar aggregate classification (germline): Uncertain significance (1 of 4 stars; one submission).

Conditions:
Hereditary cancer-predisposing syndrome. Also called: Tumor predisposition; Hereditary Cancer Syndrome; Hereditary neoplastic syndrome; Neoplastic Syndromes, Hereditary. Identifiers: Orphanet 140162, MedGen C0027672, MeSH D009386, MONDO:0015356.

Submission:

Ambry Genetics
Classification: Uncertain significance for Hereditary cancer-predisposing syndrome. Last evaluated: 2024-05-02. Review status: criteria provided, single submitter. Criteria: Ambry Variant Classification Scheme 2023. Collection method: clinical testing. Allele origin: germline.
Comment: The p.I393M variant (also known as c.1179C>G), located in coding exon 5 of the ALK gene, results from a C to G substitution at nucleotide position 1179. The isoleucine at codon 393 is replaced by methionine, an amino acid with highly similar properties. This amino acid position is conserved. In addition, this alteration is predicted to be tolerated by in silico analysis. Based on the available evidence, the clinical significance of this variant remains unclear.

NM_004304.5(ALK):c.1179C>G (p.Ile393Met)

Gene: ALK (ALK receptor tyrosine kinase; minus strand). Cytogenetic location: 2p23.2.
Variant type: single nucleotide variant.
Coding change: c.1179C>G on transcript NM_004304.5 (MANE Select); coding-DNA position 1179, C replaced by G.
Protein change: p.Ile393Met; replaces isoleucine 393 with methionine.
Molecular consequence: missense variant.
Genome position (GRCh38, 1-based): chr2:29,383,835, G>C on the plus strand (C>G on the coding strand, the complement: ALK is on the minus strand). VCF-style: chr2-29383835-G-C. GRCh37 (hg19) VCF-style: chr2-29606701-G-C.
Other names: short protein forms I393M.
Identifiers: ClinVar variation 3286106 (VCV003286106.1).